The following is an entry in ClinVar:

NM_000264.5(PTCH1):c.329G>C (p.Gly110Ala)

Gene: PTCH1 (patched 1; minus strand). Cytogenetic location: 9q22.32.
Variant type: single nucleotide variant.
Coding change: c.329G>C on transcript NM_000264.5 (MANE Select); coding-DNA position 329, G replaced by C.
Protein change: p.Gly110Ala; replaces glycine 110 with alanine.
Molecular consequence: missense variant. On other transcripts: 5 prime UTR variant (4), non-coding transcript variant (1).
Genome position (GRCh38, 1-based): chr9:95,506,472, C>G on the plus strand (G>C on the coding strand, the complement: PTCH1 is on the minus strand). VCF-style: chr9-95506472-C-G. GRCh37 (hg19) VCF-style: chr9-98268754-C-G.
Other names: c.131G>C, p.Gly44Ala (NM_001083602.3, NM_001354919.2); c.326G>C, p.Gly109Ala (NM_001083603.3); c.-125G>C (NM_001083604.3, NM_001083605.3, NM_001083606.3 and 1 more transcripts); c.329G>C, p.Gly110Ala (NM_001354918.2); short protein forms G44A, G110A, G109A.
Identifiers: ClinVar variation 409180 (VCV000409180.16), dbSNP rs1060502284, ClinGen allele CA16612877.

ClinVar aggregate classification (germline): Conflicting classifications of pathogenicity. Review status: criteria provided, conflicting classifications (1 of 4 stars). 5 submissions from 5 submitters: Uncertain significance (4); Likely benign (1). Last evaluated 2024-06-11.

Conditions:
Hereditary cancer-predisposing syndrome. Also called: Hereditary neoplastic syndrome; Neoplastic Syndromes, Hereditary; Tumor predisposition; Hereditary Cancer Syndrome. Identifiers: Orphanet 140162, MedGen C0027672, MeSH D009386, MONDO:0015356.
Basal cell carcinoma, susceptibility to, 1. Also called: BCC1. Identifiers: MedGen C2751544, MONDO:0011556, OMIM 605462.
Gorlin syndrome. Also called: Nevoid Basal Cell Carcinoma Syndrome; Basal cell nevus syndrome. Identifiers: Orphanet 377, MedGen C0004779, MONDO:0007187.

Allele frequency attached by ClinVar (database versions not stated): gnomAD exomes below 0.00001 and 0.00001; TOPMed below 0.00001; gnomAD 0.00001.
gnomAD v4.1: 10 of 1,613,474 alleles (0.00062%); highest among the groups gnomAD compares: Non-Finnish European, 0.00085%; no homozygotes.

Submissions (5):

Labcorp Genetics (formerly Invitae), Labcorp
Classification: Likely benign for Gorlin syndrome. Last evaluated: 2024-06-11. Review status: criteria provided, single submitter. Criteria: Invitae Variant Classification Sherloc (09022015). Collection method: clinical testing. Allele origin: germline.

Ambry Genetics
Classification: Uncertain significance for Hereditary cancer-predisposing syndrome. Last evaluated: 2024-02-15. Review status: criteria provided, single submitter. Criteria: Ambry Variant Classification Scheme 2023. Collection method: clinical testing. Allele origin: germline.
Comment: The p.G110A variant (also known as c.329G>C), located in coding exon 2 of the PTCH1 gene, results from a G to C substitution at nucleotide position 329. The glycine at codon 110 is replaced by alanine, an amino acid with similar properties. This amino acid position is highly conserved in available vertebrate species. In addition, this alteration is predicted to be deleterious by in silico analysis. Based on the available evidence, the clinical significance of this alteration remains unclear.

Baylor Genetics
Classification: Uncertain significance for Basal cell carcinoma, susceptibility to, 1. Last evaluated: 2023-09-05. Review status: criteria provided, single submitter. Criteria: ACMG Guidelines, 2015. Collection method: clinical testing. Allele origin: unknown.

St. Jude Molecular Pathology, St. Jude Children's Research Hospital
Classification: Uncertain significance for Basal cell nevus syndrome 1. Last evaluated: 2022-09-20. Review status: criteria provided, single submitter. Criteria: St. Jude Assertion Criteria 2020. Collection method: clinical testing. Allele origin: germline.
Comment: The PTCH1 c.329G>C (p.Gly110Ala) missense change has a maximum subpopulation frequency of 0.0016% in gnomAD v2.1.1. The in silico tool REVEL is inconclusive about a pathogenic or benign effect of this variant on protein function, and to our knowledge functional studies have not been performed. To our knowledge, this variant has not been reported in individuals with nevoid basal cell carcinoma syndrome. In summary, the evidence currently available is insufficient to determine the clinical significance of this variant. It has therefore been classified as of uncertain significance.

GeneDx
Classification: Uncertain significance. Last evaluated: 2021-12-20. Review status: criteria provided, single submitter. Criteria: GeneDx Variant Classification Process June 2021. Collection method: clinical testing. Allele origin: germline. Affected: yes.
Comment: Not observed at significant frequency in large population cohorts (gnomAD); In silico analysis supports that this missense variant does not alter protein structure/function; Has not been previously published as pathogenic or benign to our knowledge